The following is an entry in ClinVar:

NM_020461.4(TUBGCP6):c.5139C>T (p.His1713=)

Gene: TUBGCP6 (tubulin gamma complex component 6; minus strand). Cytogenetic location: 22q13.33.
Variant type: single nucleotide variant.
Coding change: c.5139C>T on transcript NM_020461.4 (MANE Select); coding-DNA position 5139, C replaced by T.
Protein change: p.His1713=; no amino-acid change (histidine 1713 retained).
Molecular consequence: synonymous variant.
Genome position (GRCh38, 1-based): chr22:50,218,218, G>A on the plus strand (C>T on the coding strand, the complement: TUBGCP6 is on the minus strand). VCF-style: chr22-50218218-G-A. GRCh37 (hg19) VCF-style: chr22-50656647-G-A.
Identifiers: ClinVar variation 437142 (VCV000437142.45), dbSNP rs149152116, ClinGen allele CA10307163.

ClinVar aggregate classification (germline): Benign/Likely benign. Review status: criteria provided, multiple submitters, no conflicts (2 of 4 stars). 8 submissions from 8 submitters: Benign (1); Likely benign (6). 1 of the submissions does not count toward it. Last evaluated 2026-02-01.

Conditions:
Microcephaly and chorioretinopathy 1. Also called: Microcephaly and chorioretinopathy, autosomal recessive, 1. Identifiers: MedGen C3278481, MONDO:0009624, OMIM 251270.

Allele frequency attached by ClinVar (database versions not stated): gnomAD 0.00206 and 0.00200; gnomAD exomes 0.00210 and 0.00329; TOPMed 0.00210; ESP Exome Variant Server 0.00338; 1000 Genomes Project 0.00080; 1000 Genomes Project 30x 0.00094; ExAC 0.00206.
gnomAD v4.1: 5,054 of 1,612,482 alleles (0.31%); highest among the groups gnomAD compares: Non-Finnish European, 0.39%; 13 homozygotes.

Submissions (8):

Labcorp Genetics (formerly Invitae), Labcorp
Classification: Benign. Last evaluated: 2026-02-01. Review status: criteria provided, single submitter. Criteria: Invitae Variant Classification Sherloc (09022015). Collection method: clinical testing. Allele origin: germline.

CeGaT Center for Human Genetics Tuebingen
Classification: Likely benign. Last evaluated: 2026-01-01. Review status: criteria provided, single submitter. Criteria: CeGaT Center For Human Genetics Tuebingen Variant Classification Criteria Version 2. Collection method: clinical testing. Allele origin: germline. Affected: yes. Observed: 6 variant alleles.
Comment: TUBGCP6: BP4, BP7, BS2

Blueprint Genetics
Classification: Likely benign. Last evaluated: 2024-11-18. Review status: criteria provided, single submitter. Criteria: ACMG Guidelines, 2015. Collection method: clinical testing. Allele origin: germline.

GeneDx
Classification: Likely benign. Last evaluated: 2021-03-02. Review status: criteria provided, single submitter. Criteria: GeneDx Variant Classification Process June 2021. Collection method: clinical testing. Allele origin: germline. Affected: yes.

Genetic Services Laboratory, University of Chicago
Classification: Likely benign. Last evaluated: 2018-07-16. Review status: criteria provided, single submitter. Criteria: ACMG Guidelines, 2015. Collection method: clinical testing. Allele origin: germline. Affected: no.

Clinical Genetics DNA and cytogenetics Diagnostics Lab, Erasmus MC, Erasmus Medical Center
Classification: Likely benign for Microcephaly and chorioretinopathy 1. Last evaluated: 2017-06-28. Review status: criteria provided, single submitter. Criteria: ACGS Guidelines, 2013. Collection method: clinical testing. Allele origin: germline. Affected: yes. Study: VKGL Data-share Consensus.

Breakthrough Genomics
Classification: Likely benign. Review status: criteria provided, single submitter. Criteria: ACMG Guidelines, 2015. Collection method: not provided. Allele origin: germline. Inheritance: Autosomal recessive inheritance. Affected: yes.

Clinical Genetics, Academic Medical Center
Classification: Likely benign. Review status: no assertion criteria provided. Collection method: clinical testing. Allele origin: germline. Affected: yes. Study: VKGL Data-share Consensus. Not counted in ClinVar's aggregate classification.